The following is an entry in ClinVar:

NM_000368.5(TSC1):c.665C>T (p.Pro222Leu)

Gene: TSC1 (TSC complex subunit 1; minus strand). Cytogenetic location: 9q34.13.
Variant type: single nucleotide variant.
Coding change: c.665C>T on transcript NM_000368.5 (MANE Select); coding-DNA position 665, C replaced by T.
Protein change: p.Pro222Leu; replaces proline 222 with leucine.
Molecular consequence: missense variant. On other transcripts: 5 prime UTR variant (1), non-coding transcript variant (5), intron variant (4).
Genome position (GRCh38, 1-based): chr9:132,921,435, G>A on the plus strand (C>T on the coding strand, the complement: TSC1 is on the minus strand). VCF-style: chr9-132921435-G-A. GRCh37 (hg19) VCF-style: chr9-135796822-G-A.
Other names: c.665C>T, p.Pro222Leu (NM_001406598.1, NM_001406599.1, NM_001406600.1 and 16 more transcripts); c.512C>T, p.Pro171Leu (NM_001162427.2, NM_001406610.1, NM_001406611.1 and 2 more transcripts); c.302C>T, p.Pro101Leu (NM_001362177.2, NM_001406614.1, NM_001406615.1 and 10 more transcripts); c.-429C>T (NM_001406630.1); c.-215+384C>T (NM_001406627.1, NM_001406628.1, NM_001406626.1); c.-357+384C>T (NM_001406629.1); short protein forms P101L, P171L, P222L.
Identifiers: ClinVar variation 4192094 (VCV004192094.2).

ClinVar aggregate classification (germline): Uncertain significance (1 of 4 stars; one submission).

Conditions:
Hereditary cancer-predisposing syndrome. Also called: Neoplastic Syndromes, Hereditary; Tumor predisposition; Hereditary Cancer Syndrome; Hereditary neoplastic syndrome. Identifiers: Orphanet 140162, MedGen C0027672, MeSH D009386, MONDO:0015356.

Submission:

Ambry Genetics
Classification: Uncertain significance for Hereditary cancer-predisposing syndrome. Last evaluated: 2026-08-12. Review status: criteria provided, single submitter. Criteria: Ambry Variant Classification Scheme 2023. Collection method: clinical testing. Allele origin: germline.
Comment: The p.P222L variant (also known as c.665C>T), located in coding exon 6 of the TSC1 gene, results from a C to T substitution at nucleotide position 665. The proline at codon 222 is replaced by leucine, an amino acid with similar properties. This amino acid position is conserved. In addition, this alteration is predicted to be deleterious by in silico analysis. Based on the available evidence, the clinical significance of this variant remains unclear.